The following is an entry in ClinVar:

ClinVar aggregate classification (germline): Likely pathogenic (1 of 4 stars; one submission).

Conditions:
Kabuki syndrome 2 (KABUK2). Also called: KDM6A-Related Kabuki Syndrome. Identifiers: Orphanet 2322, MedGen C3275495, MONDO:0010465, OMIM 300867.

Submission:

3billion
Classification: Likely pathogenic for Kabuki syndrome 2. Last evaluated: 2024-11-25. Review status: criteria provided, single submitter. Criteria: ACMG Guidelines, 2015. Collection method: clinical testing. Allele origin: germline. Affected: yes.
Comment: The variant is not observed in the gnomAD v4.1.0 dataset. Predicted Consequence/Location: Canonical splice site: predicted to alter splicing and result in a loss or disruption of normal protein function. Multiple pathogenic loss-of-function variants are reported downstream of the variant. Therefore, this variant is classified as Likely pathogenic according to the recommendation of ACMG/AMP guideline.

NM_001291415.2(KDM6A):c.974+2T>G

Gene: KDM6A (lysine demethylase 6A; plus strand). Cytogenetic location: Xp11.3.
Variant type: single nucleotide variant.
Coding change: c.974+2T>G on transcript NM_001291415.2 (MANE Select); the canonical splice donor site of the intron after coding-DNA position 974, T replaced by G.
Molecular consequence: splice donor variant.
Genome position (GRCh38, 1-based): chrX:45,059,106, T>G. VCF-style: chrX-45059106-T-G. GRCh37 (hg19) VCF-style: chrX-44918351-T-G.
Other names: c.974+2T>G (NM_001419813.1, NM_001419812.1, NM_021140.4 and 9 more transcripts); c.221+2T>G (NM_001291421.2).
Identifiers: ClinVar variation 4292107 (VCV004292107.1).